The following is an entry in ClinVar:

NM_000433.4(NCF2):c.1179-4C>G

Gene: NCF2 (neutrophil cytosolic factor 2; minus strand). Cytogenetic location: 1q25.3.
Variant type: single nucleotide variant.
Coding change: c.1179-4C>G on transcript NM_000433.4 (MANE Select); 4 bases into the intron before coding-DNA position 1179, C replaced by G.
Molecular consequence: intron variant.
Genome position (GRCh38, 1-based): chr1:183,563,310, G>C on the plus strand (C>G on the coding strand, the complement: NCF2 is on the minus strand). VCF-style: chr1-183563310-G-C. GRCh37 (hg19) VCF-style: chr1-183532445-G-C.
Other names: c.1179-4C>G (NM_001127651.3); c.936-4C>G (NM_001190789.2); c.1044-4C>G (NM_001190794.2).
Identifiers: ClinVar variation 534656 (VCV000534656.19), dbSNP rs55795842, ClinGen allele CA1284650.

ClinVar aggregate classification (germline): Conflicting classifications of pathogenicity. Review status: criteria provided, conflicting classifications (1 of 4 stars). 5 submissions from 5 submitters: Uncertain significance (1); Benign (4). Last evaluated 2026-02-01.

Conditions:
Granulomatous disease, chronic, autosomal recessive, cytochrome b-positive, type 2. Also called: CGD, AUTOSOMAL RECESSIVE CYTOCHROME b-POSITIVE, TYPE II; GRANULOMATOUS DISEASE, CHRONIC, DUE TO NCF2 DEFICIENCY; Chronic Granulomatous Disease, Autosomal Recessive, Cytochrome b-Positive, Type II; GRANULOMATOUS DISEASE, CHRONIC, AUTOSOMAL RECESSIVE, 2; Chronic granulomatous disease due to deficiency of NCF-2. Identifiers: Orphanet 379, MedGen C1856245, MONDO:0009310, OMIM 233710.

Allele frequency attached by ClinVar (database versions not stated): gnomAD exomes 0.00040 and 0.00157; gnomAD 0.00066 and 0.00086; TOPMed 0.00091; ExAC 0.00157; 1000 Genomes Project 30x 0.00453; 1000 Genomes Project 0.00499.
gnomAD v4.1: 824 of 1,613,966 alleles (0.051%); highest among the groups gnomAD compares: East Asian, 1.3%; 12 homozygotes.

Submissions (5):

Labcorp Genetics (formerly Invitae), Labcorp
Classification: Benign for Granulomatous disease, chronic, autosomal recessive, cytochrome b-positive, type 2. Last evaluated: 2026-02-01. Review status: criteria provided, single submitter. Criteria: Invitae Variant Classification Sherloc (09022015). Collection method: clinical testing. Allele origin: germline.

Women's Health and Genetics/Laboratory Corporation of America, LabCorp
Classification: Benign. Last evaluated: 2026-01-23. Review status: criteria provided, single submitter. Criteria: LabCorp Variant Classification Summary - May 2015. Collection method: clinical testing. Allele origin: germline.

GeneDx
Classification: Benign. Last evaluated: 2020-03-16. Review status: criteria provided, single submitter. Criteria: GeneDx Variant Classification Process June 2021. Collection method: clinical testing. Allele origin: germline. Affected: yes.

Genetics and Molecular Pathology, SA Pathology
Classification: Uncertain significance for Granulomatous disease, chronic, autosomal recessive, cytochrome b-positive, type 2. Last evaluated: 2019-08-13. Review status: criteria provided, single submitter. Criteria: ACMG Guidelines, 2015. Collection method: clinical testing. Allele origin: germline. Inheritance: Autosomal recessive inheritance. Affected: yes.
Comment: The NCF2 c.1179-4C>G variant is classified as VUS (BS1)

Illumina Laboratory Services, Illumina
Classification: Benign for Granulomatous disease, chronic, autosomal recessive, cytochrome b-positive, type 2. Last evaluated: 2018-01-13. Review status: criteria provided, single submitter. Criteria: ICSL Variant Classification Criteria 13 December 2019. Collection method: clinical testing. Allele origin: germline.
Comment: This variant was observed in the ICSL laboratory as part of a predisposition screen in an ostensibly healthy population. It had not been previously curated by ICSL or reported in the Human Gene Mutation Database (HGMD: prior to June 1st, 2018), and was therefore a candidate for classification through an automated scoring system. Utilizing variant allele frequency, disease prevalence and penetrance estimates, and inheritance mode, an automated score was calculated to assess if this variant is too frequent to cause the disease. Based on the score and internal cut-off values, a variant classified as benign is not then subjected to further curation. The score for this variant resulted in a classification of benign for this disease.